The following is an entry in ClinVar:

NM_014000.3(VCL):c.1176+5T>C

Gene: VCL (vinculin; plus strand). Cytogenetic location: 10q22.2.
Variant type: single nucleotide variant.
Coding change: c.1176+5T>C on transcript NM_014000.3 (MANE Select); 5 bases into the intron after coding-DNA position 1176, T replaced by C.
Molecular consequence: intron variant.
Genome position (GRCh38, 1-based): chr10:74,089,354, T>C. VCF-style: chr10-74089354-T-C. GRCh37 (hg19) VCF-style: chr10-75849112-T-C.
Other names: c.1176+5T>C (NM_003373.4).
Identifiers: ClinVar variation 1393061 (VCV001393061.6), dbSNP rs765119460, ClinGen allele CA5562933.

ClinVar aggregate classification (germline): Uncertain significance (1 of 4 stars; one submission).

Conditions:
Dilated cardiomyopathy 1W (CMD1W). Identifiers: Orphanet 154, MedGen C1969639, MONDO:0012667, OMIM 611407.

Allele frequency attached by ClinVar (database versions not stated): gnomAD exomes below 0.00001; ExAC 0.00001; TOPMed 0.00001.

Submission:

Labcorp Genetics (formerly Invitae), Labcorp
Classification: Uncertain significance for Dilated cardiomyopathy 1W. Last evaluated: 2024-02-25. Review status: criteria provided, single submitter. Criteria: Invitae Variant Classification Sherloc (09022015). Collection method: clinical testing. Allele origin: germline.
Comment: This sequence change falls in intron 9 of the VCL gene. It does not directly change the encoded amino acid sequence of the VCL protein. It affects a nucleotide within the consensus splice site. This variant is present in population databases (rs765119460, gnomAD 0.0009%). This variant has not been reported in the literature in individuals affected with VCL-related conditions. ClinVar contains an entry for this variant (Variation ID: 1393061). Variants that disrupt the consensus splice site are a relatively common cause of aberrant splicing (PMID: 17576681, 9536098). Algorithms developed to predict the effect of sequence changes on RNA splicing suggest that this variant is not likely to affect RNA splicing. In summary, the available evidence is currently insufficient to determine the role of this variant in disease. Therefore, it has been classified as a Variant of Uncertain Significance.

Literature cited by the submitters: PubMed 17576681; PubMed 9536098.